The following is an entry in ClinVar:

ClinVar aggregate classification (germline): Uncertain significance (1 of 4 stars; one submission).

Submission:

Labcorp Genetics (formerly Invitae), Labcorp
Classification: Uncertain significance. Last evaluated: 2022-11-30. Review status: criteria provided, single submitter. Criteria: Invitae Variant Classification Sherloc (09022015). Collection method: clinical testing. Allele origin: germline.
Comment: In summary, the available evidence is currently insufficient to determine the role of this variant in disease. Therefore, it has been classified as a Variant of Uncertain Significance. This variant has not been reported in the literature in individuals affected with DLX6-related conditions. The frequency data for this variant in the population databases is considered unreliable, as metrics indicate poor data quality at this position in the gnomAD database. This variant, c.99_119dup, results in the insertion of 7 amino acid(s) of the DLX6 protein (p.Gln38_Gln44dup), but otherwise preserves the integrity of the reading frame.

NM_005222.4(DLX6):c.99_119dup (p.Gln44_Pro45insGlnGlnGlnGlnGlnGlnGln)

Genes: DLX6 (distal-less homeobox 6; plus strand), DLX6-AS1 (DLX6 antisense RNA 1; minus strand). Cytogenetic location: 7q21.3.
Variant type: Duplication.
Coding change: c.99_119dup on transcript NM_005222.4 (MANE Select); coding-DNA positions 99 to 119, 21 bases duplicated (ACAGCAGCAGCAGCAGCAGCA).
Protein change: p.Gln44_Pro45insGlnGlnGlnGlnGlnGlnGln.
Molecular consequence: inframe insertion.
Genome position (GRCh38, 1-based): chr7:97,006,076-97,006,096, ACAGCAGCAGCAGCAGCAGCA duplicated; duplicating any 21 consecutive bases within chr7:97,006,056-97,006,096 gives the same sequence; the c. name uses the placement nearest the transcript's 3' end. VCF-style (leftmost placement, unchanged base first): chr7-97006055-G-GCAGCAGCAGCAGCAGCAGCAA. GRCh37 (hg19) VCF-style: chr7-96635367-G-GCAGCAGCAGCAGCAGCAGCAA.
Identifiers: ClinVar variation 2697545 (VCV002697545.3), dbSNP rs762924495, ClinGen allele CA576707876.